The following is an entry in ClinVar:

ClinVar aggregate classification (germline): Uncertain significance. Review status: criteria provided, multiple submitters, no conflicts (2 of 4 stars). 2 submissions from 2 submitters: Uncertain significance (2). Last evaluated 2025-12-22.

Conditions:
Bardet-Biedl syndrome 15 (BBS15). Identifiers: Orphanet 110, MedGen C3150127, MONDO:0014443, OMIM 615992.
Heart defect - tongue hamartoma - polysyndactyly syndrome. Also called: Congenital heart defects, hamartomas of tongue, and polysyndactyly. Identifiers: Orphanet 1338, MedGen C1857587, MONDO:0009008, OMIM 217085.
WDPCP-related disorder. Also called: WDPCP-related condition.

gnomAD v4.1: 2 of 1,613,938 alleles (0.00012%); highest among the groups gnomAD compares: African/African-American, 0.0027%; no homozygotes.

Submissions (2):

PreventionGenetics, part of Exact Sciences
Classification: Uncertain significance for WDPCP-related condition. Last evaluated: 2025-12-22. Review status: criteria provided, single submitter. Criteria: ACMG Guidelines, 2015. Collection method: clinical testing. Allele origin: germline.
Comment: The WDPCP c.902C>T variant is predicted to result in the amino acid substitution p.Thr301Ile. To our knowledge, this variant has not been reported in the literature or in a large population database (gnomAD), indicating this variant is rare. At this time, the clinical significance of this variant is uncertain due to the absence of conclusive functional and genetic evidence.

Fulgent Genetics
Classification: Uncertain significance for Heart defect - tongue hamartoma - polysyndactyly syndrome; Bardet-Biedl syndrome 15. Last evaluated: 2024-04-15. Review status: criteria provided, single submitter. Criteria: ACMG Guidelines, 2015. Collection method: clinical testing. Allele origin: germline.

NM_015910.7(WDPCP):c.902C>T (p.Thr301Ile)

Gene: WDPCP (WD repeat containing planar cell polarity effector; minus strand). Cytogenetic location: 2p15.
Variant type: single nucleotide variant.
Coding change: c.902C>T on transcript NM_015910.7 (MANE Select); coding-DNA position 902, C replaced by T.
Protein change: p.Thr301Ile; replaces threonine 301 with isoleucine.
Molecular consequence: missense variant. On other transcripts: non-coding transcript variant (3).
Genome position (GRCh38, 1-based): chr2:63,404,581, G>A on the plus strand (C>T on the coding strand, the complement: WDPCP is on the minus strand). VCF-style: chr2-63404581-G-A. GRCh37 (hg19) VCF-style: chr2-63631716-G-A.
Other names: c.902C>T (NM_015910.5); c.425C>T, p.Thr142Ile (NM_001042692.3); c.830C>T, p.Thr277Ile (NM_001354044.2); c.902C>T, p.Thr301Ile (NM_001354045.2); short protein forms T301I, T142I, T277I.
Identifiers: ClinVar variation 3586827 (VCV003586827.2).
Genomic context (GRCh38, chr2:63,404,581, plus strand): 5'-CATTCATAGATGCAGCTGTCAGCCATGGGCTCTTTGTCTACACTTACGGAGTGCTCCACT[G>A]TGAACACCTGATAAGGCTGTTTGGTGCCAAAGCGAACATCCAGTGGGTCCCATTCTGTGC-3'
Protein context (NP_056994.3, residues 291-311): FGTKQPYQVF[Thr301Ile]VEHSVSVDKE